The following is an entry in ClinVar:

ClinVar aggregate classification (germline): Pathogenic (1 of 4 stars; one submission).

Conditions:
Anterior segment dysgenesis. Also called: Ocular anterior segment dysgenesis. Identifiers: Orphanet 88632, MedGen C1862839, MONDO:0019503, HP:0007700.
Congenital primary aphakia. Also called: Anterior segment dysgenesis 2, multiple subtypes; ANTERIOR SEGMENT DYSGENESIS 2. Identifiers: Orphanet 83461, MedGen C1853230, MONDO:0012456, OMIM 610256.

Submission:

Labcorp Genetics (formerly Invitae), Labcorp
Classification: Pathogenic for Anterior segment dysgenesis; Congenital primary aphakia. Last evaluated: 2024-01-25. Review status: criteria provided, single submitter. Criteria: Invitae Variant Classification Sherloc (09022015). Collection method: clinical testing. Allele origin: germline.
Comment: This sequence change creates a premature translational stop signal (p.Ala179Argfs*45) in the FOXE3 gene. While this is not anticipated to result in nonsense mediated decay, it is expected to disrupt the last 141 amino acid(s) of the FOXE3 protein. This variant is not present in population databases (gnomAD no frequency). This variant has not been reported in the literature in individuals affected with FOXE3-related conditions. This variant disrupts a region of the FOXE3 protein in which other variant(s) (p.Cys240*) have been determined to be pathogenic (PMID: 16826526, 34046667). This suggests that this is a clinically significant region of the protein, and that variants that disrupt it are likely to be disease-causing. For these reasons, this variant has been classified as Pathogenic.

Literature cited by the submitters: PubMed 16826526; PubMed 34046667.

NM_012186.3(FOXE3):c.535del (p.Ala179fs)

Genes: FOXE3 (forkhead box E3; plus strand), LINC01389 (long independently transcribed non-coding RNA 1389; minus strand). Cytogenetic location: 1p33.
Variant type: Deletion.
Coding change: c.535del on transcript NM_012186.3 (MANE Select); coding-DNA position 535, one base deleted (G; older notation c.535delG).
Protein change: p.Ala179fs; shifts the reading frame from alanine 179.
Molecular consequence: frameshift variant.
Genome position (GRCh38, 1-based): chr1:47,416,850, G deleted; the last of 2 consecutive G bases (chr1:47,416,849-47,416,850); deleting either gives the same sequence. VCF-style (leftmost placement, unchanged base first): chr1-47416848-CG-C. GRCh37 (hg19) VCF-style: chr1-47882520-CG-C.
Other names: short protein forms A179fs.
Identifiers: ClinVar variation 2922450 (VCV002922450.3), dbSNP rs1325345116, ClinGen allele CA736354054.
Genomic context (GRCh38, chr1:47,416,848, plus strand): 5'-GCAGCTTCCTGCGGCGCCGCAAGCGCTTCAAGCGCGCCGAGCTGCCCGCGCACGCGGCCG[CG>C]GCGCCAGGGCCGCCGCTCCCCTTCCCCTACGCGCCCTACGCGCCCGCGCCCGGCCCCGCG-3'